The following is an entry in ClinVar:

ClinVar aggregate classification (germline): Uncertain significance (1 of 4 stars; one submission).

Conditions:
Familial hemiplegic migraine. Identifiers: MedGen C0338484, MONDO:0000700.

Submission:

Labcorp Genetics (formerly Invitae), Labcorp
Classification: Uncertain significance for Familial hemiplegic migraine. Last evaluated: 2021-12-16. Review status: criteria provided, single submitter. Criteria: Invitae Variant Classification Sherloc (09022015). Collection method: clinical testing. Allele origin: germline.
Comment: Advanced modeling of protein sequence and biophysical properties (such as structural, functional, and spatial information, amino acid conservation, physicochemical variation, residue mobility, and thermodynamic stability) performed at Invitae indicates that this missense variant is expected to disrupt ATP1A2 protein function. In summary, the available evidence is currently insufficient to determine the role of this variant in disease. Therefore, it has been classified as a Variant of Uncertain Significance. This variant has not been reported in the literature in individuals affected with ATP1A2-related conditions. This variant is not present in population databases (gnomAD no frequency). This sequence change replaces glutamic acid, which is acidic and polar, with lysine, which is basic and polar, at codon 190 of the ATP1A2 protein (p.Glu190Lys).

NM_000702.4(ATP1A2):c.568G>A (p.Glu190Lys)

Genes: ATP1A2 (ATPase Na+/K+ transporting subunit alpha 2; plus strand), LOC126805890 (CDK7 strongly-dependent group 2 enhancer GRCh37_chr1:160093987-160095186; plus strand). Cytogenetic location: 1q23.2.
Variant type: single nucleotide variant.
Coding change: c.568G>A on transcript NM_000702.4 (MANE Select); coding-DNA position 568, G replaced by A.
Protein change: p.Glu190Lys; replaces glutamic acid 190 with lysine.
Molecular consequence: missense variant.
Genome position (GRCh38, 1-based): chr1:160,124,368, G>A. VCF-style: chr1-160124368-G-A. GRCh37 (hg19) VCF-style: chr1-160094158-G-A.
Other names: short protein forms E190K.
Identifiers: ClinVar variation 2044286 (VCV002044286.4), dbSNP rs2524857365, ClinGen allele CA343233777.